The following is an entry in ClinVar:

ClinVar aggregate classification (germline): Likely pathogenic (1 of 4 stars; one submission).

Conditions:
Ataxia-telangiectasia syndrome (AT). Also called: LOUIS-BAR SYNDROME; Cerebello-oculocutaneous telangiectasia; Immunodeficiency with ataxia telangiectasia; AT, COMPLEMENTATION GROUP C; Ataxia-telangiectasia, complementation group D; ATAXIA-TELANGIECTASIA, COMPLEMENTATION GROUP A. Identifiers: Orphanet 100, MedGen C0004135, MONDO:0008840, OMIM 208900.

Submission:

Labcorp Genetics (formerly Invitae), Labcorp
Classification: Likely pathogenic for Ataxia-telangiectasia syndrome. Last evaluated: 2023-02-14. Review status: criteria provided, single submitter. Criteria: Invitae Variant Classification Sherloc (09022015). Collection method: clinical testing. Allele origin: unknown.
Comment: This variant results in a copy number gain of the genomic region encompassing exon(s) 23-33 of the ATM gene. While the exact position of this variant cannot be determined from the data, sub-genic copy number gains are generally in tandem (PMID: 25640679). This variant is predicted to be out-of-frame, and may result in an absent or disrupted protein product. Loss-of-function variants in ATM are known to be pathogenic (PMID: 23807571, 25614872). This variant has not been reported in the literature in individuals affected with ATM-related conditions. In summary, the currently available evidence indicates that the variant is pathogenic, but additional data are needed to prove that conclusively. Therefore, this variant has been classified as Likely Pathogenic.

Literature cited by the submitters: PubMed 25640679; PubMed 23807571; PubMed 25614872.

NC_000011.9:g.(?_108150208)_(108168119_?)dup

Gene: ATM (ATM serine/threonine kinase; plus strand). Cytogenetic location: 11q22.3.
Variant type: Duplication.
Identifiers: ClinVar variation 3244496 (VCV003244496.1).